The following is an entry in ClinVar:

NM_006514.4(SCN10A):c.2156T>G (p.Phe719Cys)

Gene: SCN10A (sodium voltage-gated channel alpha subunit 10; minus strand). Cytogenetic location: 3p22.2.
Variant type: single nucleotide variant.
Coding change: c.2156T>G on transcript NM_006514.4 (MANE Select); coding-DNA position 2156, T replaced by G.
Protein change: p.Phe719Cys; replaces phenylalanine 719 with cysteine.
Molecular consequence: missense variant.
Genome position (GRCh38, 1-based): chr3:38,739,639, A>C on the plus strand (T>G on the coding strand, the complement: SCN10A is on the minus strand). VCF-style: chr3-38739639-A-C. GRCh37 (hg19) VCF-style: chr3-38781130-A-C.
Other names: c.2156T>G, p.Phe719Cys (NM_001293306.2); c.1862T>G, p.Phe621Cys (NM_001293307.2); short protein forms F719C, F621C.
Identifiers: ClinVar variation 3438115 (VCV003438115.1).

ClinVar aggregate classification (germline): Uncertain significance (1 of 4 stars; one submission).

Conditions:
Cardiovascular phenotype. Identifiers: MedGen CN230736.

Submission:

Ambry Genetics
Classification: Uncertain significance for Cardiovascular phenotype. Last evaluated: 2024-09-17. Review status: criteria provided, single submitter. Criteria: Ambry Variant Classification Scheme 2023. Collection method: clinical testing. Allele origin: germline.
Comment: The p.F719C variant (also known as c.2156T>G), located in coding exon 14 of the SCN10A gene, results from a T to G substitution at nucleotide position 2156. The phenylalanine at codon 719 is replaced by cysteine, an amino acid with highly dissimilar properties. This amino acid position is conserved. In addition, the in silico prediction for this alteration is inconclusive. Based on the available evidence, the clinical significance of this variant remains unclear.